The following is an entry in ClinVar:

ClinVar aggregate classification (germline): Conflicting classifications of pathogenicity. Review status: criteria provided, conflicting classifications (1 of 4 stars). 3 submissions from 3 submitters: Pathogenic (1); Uncertain significance (1). 1 of the submissions does not count toward it. Last evaluated 2020-09-10.

Conditions:
Cortical dysplasia-focal epilepsy syndrome (PTHSL1). Also called: Pitt-Hopkins-like syndrome 1. Identifiers: Orphanet 163681, Orphanet 221150, MedGen C2750246, MONDO:0012400, OMIM 610042.
Intellectual disability. Also called: Intellectual developmental disorder; Intellectual functioning disability; intellectual disabilities. Identifiers: MedGen C3714756, MeSH D008607, MONDO:0001071, HP:0001249.

Allele frequency attached by ClinVar (database versions not stated): gnomAD 0.00001; ESP Exome Variant Server 0.00008; ExAC 0.00001; TOPMed 0.00001; gnomAD exomes 0.00001.
gnomAD v4.1: 10 of 1,613,884 alleles (0.00062%); highest among the groups gnomAD compares: Middle Eastern, 0.016%; no homozygotes.

Submissions (3):

Diagnostic Laboratory, Strasbourg University Hospital
Classification: Uncertain significance for Intellectual disability. Last evaluated: 2020-09-10. Review status: criteria provided, single submitter. Criteria: ACMG Guidelines, 2015. Collection method: clinical testing. Allele origin: maternal. Affected: yes. Observed: 1 homozygote.

Labcorp Genetics (formerly Invitae), Labcorp
Classification: Pathogenic for Cortical dysplasia-focal epilepsy syndrome. Last evaluated: 2019-05-01. Review status: criteria provided, single submitter. Criteria: Invitae Variant Classification Sherloc (09022015). Collection method: clinical testing. Allele origin: germline.
Comment: This sequence change creates a premature translational stop signal (p.Arg1016*) in the CNTNAP2 gene. It is expected to result in an absent or disrupted protein product. The frequency data for this variant in the population databases is considered unreliable, as metrics indicate poor data quality at this position in the ExAC database. This variant has been observed in individual(s) with clinical features of Pitt-Hopkins-like syndrome (PMID: 27439707). In at least one individual the data is consistent with the variant being in trans (on the opposite chromosome) from a pathogenic variant. ClinVar contains an entry for this variant (Variation ID: 438342). Loss-of-function variants in CNTNAP2 are known to be pathogenic (PMID: 19896112, 21827697, 25045150, 26843181, 27439707). For these reasons, this variant has been classified as Pathogenic.

OMIM
Classification: Pathogenic for PITT-HOPKINS-LIKE SYNDROME 1. Last evaluated: 2017-09-07. Review status: no assertion criteria provided. Collection method: literature only. Allele origin: germline. Not counted in ClinVar's aggregate classification.

Literature cited by the submitters: PubMed 27439707 (cited by Labcorp Genetics (formerly Invitae), Labcorp and OMIM).

NM_014141.6(CNTNAP2):c.3046C>T (p.Arg1016Ter)

Gene: CNTNAP2 (contactin associated protein 2; plus strand). Cytogenetic location: 7q36.1.
Variant type: single nucleotide variant.
Coding change: c.3046C>T on transcript NM_014141.6 (MANE Select); coding-DNA position 3046, C replaced by T.
Protein change: p.Arg1016Ter; replaces arginine 1016 with a stop codon.
Molecular consequence: nonsense.
Genome position (GRCh38, 1-based): chr7:148,217,323, C>T. VCF-style: chr7-148217323-C-T. GRCh37 (hg19) VCF-style: chr7-147914415-C-T.
Other names: short protein forms R1016*.
Identifiers: ClinVar variation 438342 (VCV000438342.3), dbSNP rs371642222, ClinGen allele CA4546540.